The following is an entry in ClinVar:

NM_001003694.2(BRPF1):c.2926C>T (p.Pro976Ser)

Gene: BRPF1 (bromodomain and PHD finger containing 1; plus strand). Cytogenetic location: 3p25.3.
Variant type: single nucleotide variant.
Coding change: c.2926C>T on transcript NM_001003694.2 (MANE Select); coding-DNA position 2926, C replaced by T.
Protein change: p.Pro976Ser; replaces proline 976 with serine.
Molecular consequence: missense variant. On other transcripts: non-coding transcript variant (1).
Genome position (GRCh38, 1-based): chr3:9,745,013, C>T. VCF-style: chr3-9745013-C-T. GRCh37 (hg19) VCF-style: chr3-9786697-C-T.
Other names: c.2623C>T, p.Pro875Ser (NM_001319049.2); c.2905C>T, p.Pro969Ser (NM_001319050.2); c.2908C>T, p.Pro970Ser (NM_004634.3); short protein forms P875S, P969S, P970S, P976S.
Identifiers: ClinVar variation 989334 (VCV000989334.4), dbSNP rs2077099082, ClinGen allele CA351702625.

ClinVar aggregate classification (germline): Uncertain significance (1 of 4 stars; one submission).

Conditions:
Intellectual developmental disorder with dysmorphic facies and ptosis (IDDDFP). Identifiers: Orphanet 698090, MedGen C4310617, MONDO:0015022, OMIM 617333.

Submission:

Illumina Laboratory Services, Illumina
Classification: Uncertain significance for Intellectual developmental disorder with dysmorphic facies and ptosis. Last evaluated: 2019-02-15. Review status: criteria provided, single submitter. Criteria: ICSLVariantClassificationCriteria RUGD 01 April 2020. Collection method: clinical testing. Allele origin: unknown.
Comment: The BRPF1 c.2926C>T (p.Pro976Ser) variant is a missense variant. A literature search was performed for the gene, cDNA change, and amino acid change. No publications were found based on this search. This variant is not found in the Genome Aggregation Database and is in a region of good sequence coverage, so the variant is presumed to be rare. Based on the limited evidence, the p.Pro976Ser variant is classified as a variant of uncertain significance for intellectual developmental disorder with dysmorphic facies and ptosis.